The following is an entry in ClinVar:

ClinVar aggregate classification (germline): Uncertain significance. Review status: criteria provided, single submitter (1 of 4 stars). 2 submissions from 2 submitters: Uncertain significance (1). 1 of the submissions does not count toward it. Last evaluated 2024-12-21.

Conditions:
BLOOD GROUP--LUTHERAN INHIBITOR (INLU). Also called: DOMINANT LU (a-b-) PHENOTYPE. Identifiers: MedGen C1292231, OMIM 111150.

Allele frequency attached by ClinVar (database versions not stated): TOPMed 0.00001; gnomAD exomes 0.00002 and 0.00001.

Submissions (2):

GeneDx
Classification: Uncertain significance. Last evaluated: 2024-12-21. Review status: criteria provided, single submitter. Criteria: GeneDx Variant Classification Process June 2021. Collection method: clinical testing. Allele origin: germline. Affected: yes.
Comment: Identified in individuals with the In(Lu) blood group phenotype (PMID: 23125034, 30222867, 34535703, 21821711); In silico analysis supports that this missense variant has a deleterious effect on protein structure/function; This variant is associated with the following publications: (PMID: 23125034, 30222867, 34535703, 21821711, 35885997)

OMIM
Classification: Pathogenic for BLOOD GROUP--LUTHERAN INHIBITOR. Last evaluated: 2013-01-01. Review status: no assertion criteria provided. Collection method: literature only. Allele origin: germline. Not counted in ClinVar's aggregate classification.

Literature cited by the submitters: PubMed 23125034 (cited by OMIM).

NM_006563.5(KLF1):c.977T>G (p.Leu326Arg)

Genes: KLF1 (KLF transcription factor 1; minus strand), LOC117125591 (CRISPRi-FlowFISH-validated PRDX2 and RAD23A regulatory element; plus strand). Cytogenetic location: 19p13.13.
Variant type: single nucleotide variant.
Coding change: c.977T>G on transcript NM_006563.5 (MANE Select); coding-DNA position 977, T replaced by G.
Protein change: p.Leu326Arg; replaces leucine 326 with arginine.
Molecular consequence: missense variant.
Genome position (GRCh38, 1-based): chr19:12,884,997, A>C on the plus strand (T>G on the coding strand, the complement: KLF1 is on the minus strand). VCF-style: chr19-12884997-A-C. GRCh37 (hg19) VCF-style: chr19-12995811-A-C.
Other names: c.977T>G (NM_006563.3); short protein forms L326R.
Identifiers: ClinVar variation 40065 (VCV000040065.3), dbSNP rs397514634, ClinGen allele CA130732.
Genomic context (GRCh38, chr19:12,884,997, plus strand): 5'-CGTGGGCAGAGCTGGCAGCGGAAGGGGCGCTGCCCCGTGTGTTTCCGGTAGTGGCGGGTC[A>C]GCTCGTCCGAGCGCGCGAATCTCCAGCCGCAGCCTTCCCACGTGCAGGCGTATGGCTTCT-3'
Protein context (NP_006554.1, residues 316-336): CGWRFARSDE[Leu326Arg]TRHYRKHTGQ